The following is an entry in ClinVar:

ClinVar aggregate classification (germline): Uncertain significance (1 of 4 stars; one submission).

Allele frequency attached by ClinVar (database versions not stated): TOPMed below 0.00001; ExAC 0.00001; gnomAD 0.00001.
gnomAD v4.1: 5 of 1,613,982 alleles (0.00031%); highest among the groups gnomAD compares: Non-Finnish European, 0.00042%; no homozygotes.

Submission:

Labcorp Genetics (formerly Invitae), Labcorp
Classification: Uncertain significance. Last evaluated: 2025-12-22. Review status: criteria provided, single submitter. Criteria: Invitae Variant Classification Sherloc (09022015). Collection method: clinical testing. Allele origin: germline.
Comment: This sequence change replaces alanine, which is neutral and non-polar, with serine, which is neutral and polar, at codon 1140 of the SETBP1 protein (p.Ala1140Ser). This variant is present in population databases (rs769537458, gnomAD 0.003%). This variant has not been reported in the literature in individuals affected with SETBP1-related conditions. ClinVar contains an entry for this variant (Variation ID: 2792184). Invitae Evidence Modeling of protein sequence and biophysical properties (such as structural, functional, and spatial information, amino acid conservation, physicochemical variation, residue mobility, and thermodynamic stability) indicates that this missense variant is not expected to disrupt SETBP1 protein function with a negative predictive value of 80%. In summary, the available evidence is currently insufficient to determine the role of this variant in disease. Therefore, it has been classified as a Variant of Uncertain Significance.

NM_015559.3(SETBP1):c.3418G>T (p.Ala1140Ser)

Gene: SETBP1 (SET binding protein 1; plus strand). Cytogenetic location: 18q12.3.
Variant type: single nucleotide variant.
Coding change: c.3418G>T on transcript NM_015559.3 (MANE Select); coding-DNA position 3418, G replaced by T.
Protein change: p.Ala1140Ser; replaces alanine 1140 with serine.
Molecular consequence: missense variant.
Genome position (GRCh38, 1-based): chr18:44,952,758, G>T. VCF-style: chr18-44952758-G-T. GRCh37 (hg19) VCF-style: chr18-42532723-G-T.
Other names: c.3418G>T, p.Ala1140Ser (NM_001379141.1, NM_001379142.1, NM_001410862.1); short protein forms A1140S.
Identifiers: ClinVar variation 2792184 (VCV002792184.3), dbSNP rs769537458, ClinGen allele CA8945902.
Genomic context (GRCh38, chr18:44,952,758, plus strand): 5'-CCTGTTAGCATGGGCCTTGGTGACATGCAGCCTTCTCTGAACCCTCCCAAGGTAGGCAGT[G>T]CCAGTCTGTCCAGTGGTCGGCTCCATAAGAGGAAACACAAACACAAGCATAAGCACAAGG-3'
Protein context (NP_056374.2, residues 1130-1150): PSLNPPKVGS[Ala1140Ser]SLSSGRLHKR